The following is an entry in ClinVar:

NM_005188.4(CBL):c.1111T>C (p.Tyr371His)

Gene: CBL (Cbl proto-oncogene; plus strand). Cytogenetic location: 11q23.3.
Variant type: single nucleotide variant.
Coding change: c.1111T>C on transcript NM_005188.4 (MANE Select); coding-DNA position 1111, T replaced by C.
Protein change: p.Tyr371His; replaces tyrosine 371 with histidine.
Molecular consequence: missense variant.
Genome position (GRCh38, 1-based): chr11:119,278,181, T>C. VCF-style: chr11-119278181-T-C. GRCh37 (hg19) VCF-style: chr11-119148891-T-C.
Other names: short protein forms Y371H.
Identifiers: ClinVar variation 13811 (VCV000013811.44), dbSNP rs267606706, ClinGen allele CA123492.
Genomic context (GRCh38, chr11:119,278,181, plus strand): 5'-AGTTATTTATTCAACTAATAGTCTTTTAATTTTTTTTAATCAAAGGAACAATATGAATTA[T>C]ACTGTGAGATGGGCTCCACATTCCAACTATGTAAAATATGTGCTGAAAATGATAAGGATG-3'
Protein context (NP_005179.2, residues 361-381): IKVTQEQYEL[Tyr371His]CEMGSTFQLC

ClinVar aggregate classification (germline): Pathogenic/Likely pathogenic. Review status: criteria provided, multiple submitters, no conflicts (2 of 4 stars). 19 submissions from 19 submitters: Pathogenic (16); Likely pathogenic (1). 2 of the submissions do not count toward it. Last evaluated 2025-09-15.
ClinVar aggregate classification (somatic clinical impact): Tier II - Potential (1 of 4 stars; one submission).

Conditions:
CBL-related disorder. Also called: CBL MUTATION-ASSOCIATED SYNDROME; CBL SYNDROME; NOONAN SYNDROME-LIKE DISORDER WITHOUT JUVENILE MYELOMONOCYTIC LEUKEMIA. Identifiers: Orphanet 363972, MedGen C3150803, MONDO:0013308, OMIM 613563.
Juvenile myelomonocytic leukemia (JMML). Also called: LEUKEMIA, JUVENILE MYELOMONOCYTIC, SOMATIC. Identifiers: Orphanet 86834, MedGen C0349639, MONDO:0011908, OMIM 607785, HP:0012209.
Cardiovascular phenotype. Identifiers: MedGen CN230736.
RASopathy. Also called: rasopathies; Noonan spectrum disorder. Identifiers: Orphanet 536391, MedGen C5555857, MONDO:0021060.
Noonan syndrome-like disorder with juvenile myelomonocytic leukemia. Identifiers: MedGen C4016301.
Pilocytic astrocytoma. Also called: Pilocytic astrocytoma, somatic. Identifiers: Orphanet 251612, MedGen C0334583, MONDO:0016691, HP:0033680.

Allele frequency attached by ClinVar (database versions not stated): gnomAD 0.00001; gnomAD exomes 0.00001; ExAC 0.00002.
gnomAD v4.1: 4 of 1,602,246 alleles (0.00025%); highest among the groups gnomAD compares: East Asian, 0.0022%; no homozygotes.

Submissions 1 to 9 of 20:

Department of Molecular Genetics, Istishari Arab Hospital
Classification: Pathogenic for Juvenile myelomonocytic leukemia. Last evaluated: 2025-09-15. Review status: criteria provided, single submitter. Criteria: ACMG Guidelines, 2015. Collection method: clinical testing. Allele origin: germline. Inheritance: Autosomal recessive inheritance. Affected: yes.
Comment: The CBL variant c.1111T>C, p.Tyr371His creates an amino acid change from Tyr to His at position 371. This variant has been previously reported in patients with Noonan syndrome-like disorder and onset of juvenile myelomonocytic leukemia (JMML) (PMID: 20543203, 19571318, 20694012). Perez et al. (2010) reported that Leukemic cells from all patients showed AOH at chromosome 11q23, including the CBL gene. The patients all demonstrated subtle developmental defects, including dysmorphic facial features and poor growth, and 1 patient had developmental delay. It is classified as pathogenic based on ACMG/AMP/ClinGen SVI guidelines.

CeGaT Center for Human Genetics Tuebingen
Classification: Pathogenic. Last evaluated: 2025-08-01. Review status: criteria provided, single submitter. Criteria: CeGaT Center For Human Genetics Tuebingen Variant Classification Criteria Version 2. Collection method: clinical testing. Allele origin: germline. Affected: yes. Observed: 1 variant allele.
Comment: CBL: PM6:Very Strong, PS4, PM1, PM2, PM5, PP3, PS3:Supporting

Ambry Genetics
Classification: Pathogenic for Cardiovascular phenotype. Last evaluated: 2025-07-18. Review status: criteria provided, single submitter. Criteria: Ambry Variant Classification Scheme 2023. Collection method: clinical testing. Allele origin: germline.
Comment: The c.1111T>C (p.Y371H) alteration is located in exon 8 (coding exon 8) of the CBL gene. This alteration results from a T to C substitution at nucleotide position 1111, causing the tyrosine (Y) at amino acid position 371 to be replaced by a histidine (H). Based on data from gnomAD, the C allele has an overall frequency of 0.001% (3/282362) total alleles studied. The highest observed frequency was 0.005% (1/19950) of East Asian alleles. This variant was reported in individuals with features consistent with CBL-related RASopathy; in multiple individuals, it was determined to be de novo (Loh, 2009; Niemeyer, 2010; P&eacute;rez, 2010; Hyakuna, 2015; Martinelli, 2015; Coe, 2017). This amino acid position is highly conserved in available vertebrate species. In multiple assays testing CBL function, this variant showed functionally abnormal results (Niemeyer, 2010). This alteration is predicted to be deleterious by in silico analysis. Based on the available evidence, this alteration is classified as pathogenic.

Labcorp Genetics (formerly Invitae), Labcorp
Classification: Pathogenic for RASopathy. Last evaluated: 2025-02-25. Review status: criteria provided, single submitter. Criteria: Invitae Variant Classification Sherloc (09022015). Collection method: clinical testing. Allele origin: germline.
Comment: This sequence change replaces tyrosine, which is neutral and polar, with histidine, which is basic and polar, at codon 371 of the CBL protein (p.Tyr371His). The frequency data for this variant in the population databases is considered unreliable, as metrics indicate poor data quality at this position in the gnomAD database. This missense change has been observed in individual(s) with juvenile myelomonocytic leukemia and Noonan-like syndrome (PMID: 20543203, 20694012, 25283271, 25952305, 28414188). In at least one individual the variant was observed to be de novo. ClinVar contains an entry for this variant (Variation ID: 13811). Invitae Evidence Modeling of protein sequence and biophysical properties (such as structural, functional, and spatial information, amino acid conservation, physicochemical variation, residue mobility, and thermodynamic stability) indicates that this missense variant is expected to disrupt CBL protein function with a positive predictive value of 95%. Experimental studies have shown that this missense change affects CBL function (PMID: 20694012, 23696637). For these reasons, this variant has been classified as Pathogenic.

3billion
Classification: Likely pathogenic for CBL-related disorder. Last evaluated: 2024-06-14. Review status: criteria provided, single submitter. Criteria: ACMG Guidelines, 2015. Collection method: clinical testing. Allele origin: germline. Affected: yes.
Comment: The variant is observed at an extremely low frequency in the gnomAD v4.0.0 dataset (total allele frequency: <0.001%). Predicted Consequence/Location: Missense variant In silico tool predictions suggest damaging effect of the variant on gene or gene product [REVEL: 0.97 (>=0.6, sensitivity 0.68 and specificity 0.92); 3Cnet: 0.91 (>=0.6, sensitivity 0.72 and precision 0.9)]. The same nucleotide change resulting in the same amino acid change has been previously reported as pathogenic/likely pathogenic with strong evidence (ClinVar ID: VCV000013811 /PMID: 19571318). Different missense changes at the same codon (p.Tyr371Asn, p.Tyr371Asp, p.Tyr371Cys, p.Tyr371Phe, p.Tyr371Ser) have been reported as pathogenic/likely pathogenic with strong evidence (ClinVar ID: VCV000029824, VCV000180827, VCV000548022, VCV000949693, VCV002137268 /PMID: 19571318, 28343148). Therefore, this variant is classified as Likely pathogenic according to the recommendation of ACMG/AMP guideline.

Institute of Human Genetics, Clinical Exome/Genome Diagnostics Group, University Hospital Bonn
Classification: Pathogenic for CBL-related disorder. Last evaluated: 2023-12-27. Review status: criteria provided, single submitter. Criteria: ACMG Guidelines, 2015. Collection method: clinical testing. Allele origin: de novo. Affected: yes.

Institute for Genomic Medicine (IGM) Clinical Laboratory, Nationwide Children's Hospital
Classification: Tier II - Potential for Pilocytic astrocytoma. Assertion type: diagnostic. Clinical significance: supports diagnosis. Last evaluated: 2023-08-17. Review status: criteria provided, single submitter. Criteria: AMP/ASCO/CAP Guidelines, 2017. Collection method: clinical testing. Allele origin: somatic. Affected: yes.
Comment: Variant has Tier II (potential) clinical significance as a diagnostic inclusion criterion in pilocytic astrocytoma, based on the following evidence: 1) Documented in one or more cancer databases (e.g., St. Jude Pecan, COSMIC, CIViC, OncoKB). 2) Information in the literature supports potential biologic effect of variant (PMIDs: 20622007, 23696637). 3) Assists in diagnosis alone or along with other biomarkers based on small studies or few case reports (Evidence Level D; PMIDs: 20357823, 19571318, 20622007).

Greenwood Genetic Center Diagnostic Laboratories, Greenwood Genetic Center
Classification: Pathogenic for CBL-related disorder. Last evaluated: 2023-08-16. Review status: criteria provided, single submitter. Criteria: ACMG Guidelines, 2015. Collection method: clinical testing. Allele origin: germline. Affected: yes.
Comment: PS2, PS3, PM1, PP3

GeneDx
Classification: Pathogenic. Last evaluated: 2023-08-02. Review status: criteria provided, single submitter. Criteria: GeneDx Variant Classification Process June 2021. Collection method: clinical testing. Allele origin: germline. Affected: yes.
Comment: Published functional studies demonstrate a damaging effect (Niemeyer et al., 2010; Javadi et al., 2013).; In silico analysis, which includes protein predictors and evolutionary conservation, supports a deleterious effect; This variant is associated with the following publications: (PMID: 20543203, 25952305, 27609087, 25283271, 19571318, 20694012, 23696637, 24803665, 27577878, 26911351, 28082680, 26676746, 28414188, 32933826, 20619386, 22315494)